The following is an entry in ClinVar:

NM_014846.4(WASHC5):c.332+11A>G

Gene: WASHC5 (WASH complex subunit 5; minus strand). Cytogenetic location: 8q24.13.
Variant type: single nucleotide variant.
Coding change: c.332+11A>G on transcript NM_014846.4 (MANE Select); 11 bases into the intron after coding-DNA position 332, A replaced by G.
Molecular consequence: intron variant.
Genome position (GRCh38, 1-based): chr8:125,083,102, T>C on the plus strand (A>G on the coding strand, the complement: WASHC5 is on the minus strand). VCF-style: chr8-125083102-T-C. GRCh37 (hg19) VCF-style: chr8-126095344-T-C.
Other names: c.-113+11A>G (NM_001330609.2).
Identifiers: ClinVar variation 507101 (VCV000507101.4), dbSNP rs755037747, ClinGen allele CA4874162.
Genomic context (GRCh38, chr8:125,083,102, plus strand): 5'-ACGTTGCTATGTGTCCTTTTCCCTCTCCACTATTTACTACCAGAATAAGCTATTCCTAAA[T>C]AGATCAATACCTGTTTAAGTCTACAATATATTTATGTACACTTTGAAATGCTAAATAAAA-3'

ClinVar aggregate classification (germline): Likely benign. Review status: criteria provided, multiple submitters, no conflicts (2 of 4 stars). 2 submissions from 2 submitters: Likely benign (2). Last evaluated 2024-11-18.

Conditions:
Hereditary spastic paraplegia 8 (SPG8). Also called: SPASTIC PARAPLEGIA 8, AUTOSOMAL DOMINANT. Identifiers: Orphanet 100989, MedGen C1863704, MONDO:0011339, OMIM 603563.
Ritscher-Schinzel syndrome. Also called: CRANIOCEREBELLOCARDIAC DYSPLASIA. Identifiers: Orphanet 7, MedGen C0796137, MONDO:0019078.

Allele frequency attached by ClinVar (database versions not stated): TOPMed 0.00001; gnomAD exomes below 0.00001; ExAC 0.00001.
gnomAD v4.1: 17 of 1,466,826 alleles (0.0012%); highest among the groups gnomAD compares: Middle Eastern, 0.035%; no homozygotes.

Submissions (2):

Labcorp Genetics (formerly Invitae), Labcorp
Classification: Likely benign for Ritscher-Schinzel syndrome; Hereditary spastic paraplegia 8. Last evaluated: 2024-11-18. Review status: criteria provided, single submitter. Criteria: Invitae Variant Classification Sherloc (09022015). Collection method: clinical testing. Allele origin: germline.

GeneDx
Classification: Likely benign. Last evaluated: 2017-02-03. Review status: criteria provided, single submitter. Criteria: GeneDx Variant Classification (06012015). Collection method: clinical testing. Allele origin: germline. Affected: yes.
Comment: This variant is considered likely benign or benign based on one or more of the following criteria: it is a conservative change, it occurs at a poorly conserved position in the protein, it is predicted to be benign by multiple in silico algorithms, and/or has population frequency not consistent with disease.